The following is an entry in ClinVar:

ClinVar aggregate classification (germline): Likely benign. Review status: criteria provided, multiple submitters, no conflicts (2 of 4 stars). 2 submissions from 2 submitters: Likely benign (2). Last evaluated 2024-04-10.

Conditions:
Intellectual developmental disorder, autosomal dominant 1. Also called: Intellectual disability, autosomal dominant 1; MBD5 Haploinsufficiency. Identifiers: Orphanet 228402, MedGen C1969562, MONDO:0007974, OMIM 156200.

Allele frequency attached by ClinVar (database versions not stated): ExAC 0.00001; gnomAD 0.00004 and 0.00003; gnomAD exomes below 0.00001 and 0.00001; TOPMed 0.00003.
gnomAD v4.1: 9 of 1,613,566 alleles (0.00056%); highest among the groups gnomAD compares: African/African-American, 0.011%; no homozygotes.

Submissions (2):

Labcorp Genetics (formerly Invitae), Labcorp
Classification: Likely benign for Intellectual developmental disorder, autosomal dominant 1. Last evaluated: 2024-04-10. Review status: criteria provided, single submitter. Criteria: Invitae Variant Classification Sherloc (09022015). Collection method: clinical testing. Allele origin: germline.

GeneDx
Classification: Likely benign. Last evaluated: 2016-01-06. Review status: criteria provided, single submitter. Criteria: GeneDx Variant Classification (06012015). Collection method: clinical testing. Allele origin: germline. Affected: yes.
Comment: This variant is considered likely benign or benign based on one or more of the following criteria: it is a conservative change, it occurs at a poorly conserved position in the protein, it is predicted to be benign by multiple in silico algorithms, and/or has population frequency not consistent with disease.

NM_001378120.1(MBD5):c.327G>A (p.Val109=)

Gene: MBD5 (methyl-CpG binding domain protein 5; plus strand). Cytogenetic location: 2q23.1.
Variant type: single nucleotide variant.
Coding change: c.327G>A on transcript NM_001378120.1 (MANE Select); coding-DNA position 327, G replaced by A.
Protein change: p.Val109=; no amino-acid change (valine 109 retained).
Molecular consequence: synonymous variant.
Genome position (GRCh38, 1-based): chr2:148,463,849, G>A. VCF-style: chr2-148463849-G-A. GRCh37 (hg19) VCF-style: chr2-149221418-G-A.
Other names: c.327G>A, p.Val109= (NM_018328.5).
Identifiers: ClinVar variation 382529 (VCV000382529.10), dbSNP rs760258675, ClinGen allele CA1899852.